The following is an entry in ClinVar:

ClinVar aggregate classification (germline): Pathogenic (1 of 4 stars; one submission).

Conditions:
Methylmalonic aciduria, cblB type (MACB). Also called: METHYLMALONIC ACIDURIA, VITAMIN B12-RESPONSIVE, DUE TO DEFECT IN SYNTHESIS OF ADENOSYLCOBALAMIN, cblB TYPE; Methylmalonic acidemia cblB type; Vitamin B12-responsive methylmalonic acidemia type cblB. Identifiers: Orphanet 28, Orphanet 79311, MedGen C1855102, MONDO:0009614, OMIM 251110.

Submission:

Labcorp Genetics (formerly Invitae), Labcorp
Classification: Pathogenic for Methylmalonic aciduria, cblB type. Last evaluated: 2023-08-23. Review status: criteria provided, single submitter. Criteria: Invitae Variant Classification Sherloc (09022015). Collection method: clinical testing. Allele origin: germline.
Comment: This sequence change affects the initiator methionine of the MMAB mRNA. The next in-frame methionine is located at codon 202. This variant is not present in population databases (gnomAD no frequency). This variant has not been reported in the literature in individuals affected with MMAB-related conditions. This variant disrupts a region of the MMAB protein in which other variant(s) (p.Arg191Gln) have been determined to be pathogenic (PMID: 16410054, 23707710, 27591164). This suggests that this is a clinically significant region of the protein, and that variants that disrupt it are likely to be disease-causing. For these reasons, this variant has been classified as Pathogenic.

Literature cited by the submitters: PubMed 16410054; PubMed 23707710; PubMed 27591164.

NM_052845.4(MMAB):c.2T>A (p.Met1Lys)

Genes: MMAB (metabolism of cobalamin associated B; minus strand), MVK (mevalonate kinase; plus strand). Cytogenetic location: 12q24.11.
Variant type: single nucleotide variant.
Coding change: c.2T>A on transcript NM_052845.4 (MANE Select); coding-DNA position 2, T replaced by A.
Protein change: p.Met1Lys; changes the start codon (methionine 1).
Molecular consequence: missense variant, initiator codon variant. On other transcripts: non-coding transcript variant (1).
Genome position (GRCh38, 1-based): chr12:109,573,479, A>T on the plus strand (T>A on the coding strand, the complement: MMAB is on the minus strand). VCF-style: chr12-109573479-A-T. GRCh37 (hg19) VCF-style: chr12-110011284-A-T.
Other names: short protein forms M1K.
Identifiers: ClinVar variation 2754610 (VCV002754610.3), dbSNP rs869320655, ClinGen allele CA386641680.